The following is an entry in ClinVar:

NM_014141.6(CNTNAP2):c.939+8T>A

Gene: CNTNAP2 (contactin associated protein 2; plus strand). Cytogenetic location: 7q35.
Variant type: single nucleotide variant.
Coding change: c.939+8T>A on transcript NM_014141.6 (MANE Select); 8 bases into the intron after coding-DNA position 939, T replaced by A.
Molecular consequence: intron variant.
Genome position (GRCh38, 1-based): chr7:147,121,171, T>A. VCF-style: chr7-147121171-T-A. GRCh37 (hg19) VCF-style: chr7-146818263-T-A.
Identifiers: ClinVar variation 128809 (VCV000128809.21), dbSNP rs199994339, ClinGen allele CA152453.

ClinVar aggregate classification (germline): Conflicting classifications of pathogenicity. Review status: criteria provided, conflicting classifications (1 of 4 stars). 5 submissions from 5 submitters: Uncertain significance (1); Likely benign (3). 1 of the submissions does not count toward it. Last evaluated 2026-01-28.

Conditions:
Cortical dysplasia-focal epilepsy syndrome (PTHSL1). Also called: Pitt-Hopkins-like syndrome 1. Identifiers: Orphanet 163681, Orphanet 221150, MedGen C2750246, MONDO:0012400, OMIM 610042.

Allele frequency attached by ClinVar (database versions not stated): gnomAD exomes 0.00003 and 0.00005; ExAC 0.00004; TOPMed 0.00004; ESP Exome Variant Server 0.00008; gnomAD 0.00008 and 0.00009; 1000 Genomes Project 0.00040; 1000 Genomes Project 30x 0.00047.

Submissions (5):

Labcorp Genetics (formerly Invitae), Labcorp
Classification: Likely benign for Cortical dysplasia-focal epilepsy syndrome. Last evaluated: 2026-01-28. Review status: criteria provided, single submitter. Criteria: Invitae Variant Classification Sherloc (09022015). Collection method: clinical testing. Allele origin: germline.

Blueprint Genetics
Classification: Likely benign. Last evaluated: 2024-06-18. Review status: criteria provided, single submitter. Criteria: ACMG Guidelines, 2015. Collection method: clinical testing. Allele origin: germline.

Illumina Laboratory Services, Illumina
Classification: Uncertain significance for Cortical dysplasia-focal epilepsy syndrome. Last evaluated: 2018-01-15. Review status: criteria provided, single submitter. Criteria: ICSL Variant Classification Criteria 13 December 2019. Collection method: clinical testing. Allele origin: germline.

GeneDx
Classification: Likely benign. Last evaluated: 2018-01-09. Review status: criteria provided, single submitter. Criteria: GeneDx Variant Classification (06012015). Collection method: clinical testing. Allele origin: germline. Affected: yes.
Comment: This variant is considered likely benign or benign based on one or more of the following criteria: it is a conservative change, it occurs at a poorly conserved position in the protein, it is predicted to be benign by multiple in silico algorithms, and/or has population frequency not consistent with disease.

Genetic Services Laboratory, University of Chicago
Classification: Likely benign for AllHighlyPenetrant. Review status: no assertion criteria provided. Collection method: clinical testing. Allele origin: germline. Inheritance: Autosomal recessive inheritance. Not counted in ClinVar's aggregate classification.
Comment: Likely benign based on allele frequency in 1000 Genomes Project or ESP global frequency and its presence in a patient with a rare or unrelated disease phenotype. NOT Sanger confirmed.